The following is an entry in ClinVar:

NM_031407.7(HUWE1):c.9463A>T (p.Met3155Leu)

Gene: HUWE1 (HECT, UBA and WWE domain containing E3 ubiquitin protein ligase 1; minus strand). Cytogenetic location: Xp11.22.
Variant type: single nucleotide variant.
Coding change: c.9463A>T on transcript NM_031407.7 (MANE Select); coding-DNA position 9463, A replaced by T.
Protein change: p.Met3155Leu; replaces methionine 3155 with leucine.
Molecular consequence: missense variant.
Genome position (GRCh38, 1-based): chrX:53,550,691, T>A on the plus strand (A>T on the coding strand, the complement: HUWE1 is on the minus strand). VCF-style: chrX-53550691-T-A. GRCh37 (hg19) VCF-style: chrX-53577652-T-A.
Other names: c.9460A>T, p.Met3154Leu (NM_001441048.1, NM_001441051.1, NM_001441053.1 and 2 more transcripts); c.9463A>T, p.Met3155Leu (NM_001441049.1, NM_001441054.1, NM_001441057.1); c.9484A>T, p.Met3162Leu (NM_001441050.1, NM_001441055.1); c.9061A>T, p.Met3021Leu (NM_001441052.1); short protein forms M3021L, M3154L, M3155L, M3162L.
Identifiers: ClinVar variation 4685382 (VCV004685382.1).

ClinVar aggregate classification (germline): Uncertain significance (1 of 4 stars; one submission).

Submission:

GeneDx
Classification: Uncertain significance. Last evaluated: 2025-07-08. Review status: criteria provided, single submitter. Criteria: GeneDx Variant Classification Process June 2021. Collection method: clinical testing. Allele origin: germline. Affected: yes.
Comment: Has not been previously published as pathogenic or benign to our knowledge; Not observed at significant frequency in large population cohorts (gnomAD); In silico analysis suggests that this missense variant does not alter protein structure/function